The following is an entry in ClinVar:

NM_001127453.2(GSDME):c.614C>A (p.Ser205Tyr)

Gene: GSDME (gasdermin E; minus strand). Cytogenetic location: 7p15.3.
Variant type: single nucleotide variant.
Coding change: c.614C>A on transcript NM_001127453.2 (MANE Select); coding-DNA position 614, C replaced by A.
Protein change: p.Ser205Tyr; replaces serine 205 with tyrosine.
Molecular consequence: missense variant.
Genome position (GRCh38, 1-based): chr7:24,717,337, G>T on the plus strand (C>A on the coding strand, the complement: GSDME is on the minus strand). VCF-style: chr7-24717337-G-T. GRCh37 (hg19) VCF-style: chr7-24756956-G-T.
Other names: c.122C>A, p.Ser41Tyr (NM_001127454.2); c.614C>A, p.Ser205Tyr (NM_004403.3); short protein forms S205Y, S41Y.
Identifiers: ClinVar variation 3572495 (VCV003572495.2).

ClinVar aggregate classification (germline): Uncertain significance. Review status: criteria provided, multiple submitters, no conflicts (2 of 4 stars). 2 submissions from 2 submitters: Uncertain significance (2). Last evaluated 2026-04-23.

Conditions:
GSDME-related disorder. Also called: GSDME-related condition.

Submissions (2):

PreventionGenetics, part of Exact Sciences
Classification: Uncertain significance for GSDME-related condition. Last evaluated: 2026-04-23. Review status: criteria provided, single submitter. Criteria: ACMG Guidelines, 2015. Collection method: clinical testing. Allele origin: germline.
Comment: The GSDME c.614C>A variant is predicted to result in the amino acid substitution p.Ser205Tyr. To our knowledge, this variant has not been reported in the literature or in a large population database (gnomAD), indicating this variant is rare. At this time, the clinical significance of this variant is uncertain due to the absence of conclusive functional and genetic evidence.

GeneDx
Classification: Uncertain significance. Last evaluated: 2024-07-08. Review status: criteria provided, single submitter. Criteria: GeneDx Variant Classification Process June 2021. Collection method: clinical testing. Allele origin: germline. Affected: yes.
Comment: Not observed at significant frequency in large population cohorts (gnomAD); In silico analysis supports that this missense variant has a deleterious effect on protein structure/function; Has not been previously published as pathogenic or benign to our knowledge